The following is an entry in ClinVar:

NM_031844.3(HNRNPU):c.484C>T (p.Gln162Ter)

Gene: HNRNPU (heterogeneous nuclear ribonucleoprotein U; minus strand). Cytogenetic location: 1q44.
Variant type: single nucleotide variant.
Coding change: c.484C>T on transcript NM_031844.3 (MANE Select); coding-DNA position 484, C replaced by T.
Protein change: p.Gln162Ter; replaces glutamine 162 with a stop codon.
Molecular consequence: nonsense.
Genome position (GRCh38, 1-based): chr1:244,863,824, G>A on the plus strand (C>T on the coding strand, the complement: HNRNPU is on the minus strand). VCF-style: chr1-244863824-G-A. GRCh37 (hg19) VCF-style: chr1-245027126-G-A.
Other names: c.484C>T, p.Gln162Ter (NM_004501.3); short protein forms Q162*.
Identifiers: ClinVar variation 2431829 (VCV002431829.1), dbSNP rs2527894863, ClinGen allele CA345496890.
Genomic context (GRCh38, chr1:244,863,824, plus strand): 5'-CCTTGGCGGCCCCGCGCTGCTGTTGGGGCTGTTGCTGCTGCGTCGCCGGCGGTTGAGGCT[G>A]CTGCTCCCCGTGCCCGTTCTCGTCGCCCGCGCCTTCCTCTTCGTCCCCGAGCTCATCTTC-3'

ClinVar aggregate classification (germline): Likely pathogenic (1 of 4 stars; one submission).

Conditions:
Developmental and epileptic encephalopathy, 54. Also called: HNRNPU-Related Neurodevelopmental Disorder; Epileptic encephalopathy, early infantile, 54. Identifiers: MedGen C4479319, MONDO:0033363, OMIM 617391.

Submission:

Laboratorio de Genetica e Diagnostico Molecular, Hospital Israelita Albert Einstein
Classification: Likely pathogenic for Developmental and epileptic encephalopathy, 54. Last evaluated: 2022-07-04. Review status: criteria provided, single submitter. Criteria: ACMG Guidelines, 2015. Collection method: clinical testing. Allele origin: germline. Affected: yes. Observed: 1 variant allele.
Comment: ACMG classification criteria: PVS1 very strong, PM2 moderated